The following is an entry in ClinVar:

ClinVar aggregate classification (germline): Pathogenic/Likely pathogenic. Review status: criteria provided, multiple submitters, no conflicts (2 of 4 stars). 6 submissions from 6 submitters: Pathogenic (3); Likely pathogenic (1). 2 of the submissions do not count toward it. Last evaluated 2025-10-04.

Conditions:
RPGRIP1L-related disorder. Also called: RPGRIP1L-related disorders; RPGRIP1L-related condition. Identifiers: MedGen CN239416.
Joubert syndrome. Also called: JOUBERT-BOLTSHAUSER SYNDROME; Familial aplasia of the vermis. Identifiers: Orphanet 475, MedGen C5979921, MONDO:0018772.
Meckel-Gruber syndrome. Also called: DYSENCEPHALIA SPLANCHNOCYSTICA; GRUBER SYNDROME; Dysencephalia splachnocystica. Identifiers: Orphanet 564, MedGen C0265215, MONDO:0018921.
Joubert syndrome 7 (JBTS7). Identifiers: Orphanet 220497, MedGen C1969053, MONDO:0012694, OMIM 611560.

Allele frequency attached by ClinVar (database versions not stated): TOPMed 0.00002; gnomAD 0.00004 and 0.00005; 1000 Genomes Project 0.00020; 1000 Genomes Project 30x 0.00031.

Submissions (6):

Labcorp Genetics (formerly Invitae), Labcorp
Classification: Pathogenic for Joubert syndrome; Meckel-Gruber syndrome. Last evaluated: 2025-10-04. Review status: criteria provided, single submitter. Criteria: Invitae Variant Classification Sherloc (09022015). Collection method: clinical testing. Allele origin: germline.
Comment: This sequence change creates a premature translational stop signal (p.Lys233*) in the RPGRIP1L gene. It is expected to result in an absent or disrupted protein product. Loss-of-function variants in RPGRIP1L are known to be pathogenic (PMID: 17558409). This variant is present in population databases (rs121918197, gnomAD 0.01%). This premature translational stop signal has been observed in individual(s) with Joubert syndrome (PMID: 17558409). ClinVar contains an entry for this variant (Variation ID: 1068). For these reasons, this variant has been classified as Pathogenic.

Natera, Inc.
Classification: Pathogenic for Joubert syndrome. Last evaluated: 2024-06-26. Review status: criteria provided, single submitter. Criteria: Natera Variant Classification Schema (03/2026). Collection method: clinical testing. Allele origin: germline.
Comment: The c.697A>T variant in RPGRIP1L is a nonsense variant predicted to introduce a stop codon at amino acid 233. This variant is expected to result in nonsense mediated decay, truncation, or a dysfunctional protein product. This variant is rare in the general population with a frequency below the threshold expected for the associated phenotype(s). This variant has been observed in one or more individuals affected with the associated recessive disease, as either homozygous or compound heterozygous with a second variant (PMID: 17558409). Given the available evidence, this variant is classified as Pathogenic.

Blueprint Genetics
Classification: Likely pathogenic for RPGRIP1L-related disorders. Last evaluated: 2023-06-22. Review status: criteria provided, single submitter. Criteria: ACMG Guidelines, 2015. Collection method: clinical testing. Allele origin: germline. Affected: yes. Observed: 5 variant alleles.

Revvity Omics, Revvity
Classification: Pathogenic. Last evaluated: 2019-09-13. Review status: criteria provided, single submitter. Criteria: ACMG Guidelines, 2015. Collection method: clinical testing. Allele origin: germline.

PreventionGenetics, part of Exact Sciences
Classification: Pathogenic for RPGRIP1L-related condition. Last evaluated: 2024-05-07. Review status: no assertion criteria provided. Collection method: clinical testing. Allele origin: germline. Not counted in ClinVar's aggregate classification.
Comment: The RPGRIP1L c.697A>T variant is predicted to result in premature protein termination (p.Lys233*). This variant has been reported in the compound heterozygous state in individuals with a variety of phenotypes, including Joubert syndrome (Delous et al. 2007. PubMed ID: 17558409), neurodegeneration with brain iron accumulation (NBIA; Martínez-Rubio et al. 2022. PubMed ID: 36233161) and inherited retinal disease (Table S3, Hanany et al. 2020. PubMed ID: 31964843). This variant is reported in 0.012% of alleles in individuals of African descent in gnomAD. Nonsense variants in RPGRIP1L are expected to be pathogenic. This variant is interpreted as pathogenic.

OMIM
Classification: Pathogenic for JOUBERT SYNDROME 7. Last evaluated: 2007-07-01. Review status: no assertion criteria provided. Collection method: literature only. Allele origin: germline. Not counted in ClinVar's aggregate classification.

Literature cited by the submitters: PubMed 17558409 (cited by 3 submitters).

NM_015272.5(RPGRIP1L):c.697A>T (p.Lys233Ter)

Gene: RPGRIP1L (RPGRIP1 like; minus strand). Cytogenetic location: 16q12.2.
Variant type: single nucleotide variant.
Coding change: c.697A>T on transcript NM_015272.5 (MANE Select); coding-DNA position 697, A replaced by T.
Protein change: p.Lys233Ter; replaces lysine 233 with a stop codon.
Molecular consequence: nonsense.
Genome position (GRCh38, 1-based): chr16:53,686,512, T>A on the plus strand (A>T on the coding strand, the complement: RPGRIP1L is on the minus strand). VCF-style: chr16-53686512-T-A. GRCh37 (hg19) VCF-style: chr16-53720424-T-A.
Other names: c.697A>T, p.Lys233Ter (NM_001127897.4, NM_001308334.3, NM_001330538.2); c.697A>T (NM_015272.4); short protein forms K233*.
Identifiers: ClinVar variation 1068 (VCV000001068.21), dbSNP rs121918197, ClinGen allele CA251686.